The following is an entry in ClinVar:

ClinVar aggregate classification (germline): Uncertain significance. Review status: criteria provided, multiple submitters, no conflicts (2 of 4 stars). 2 submissions from 2 submitters: Uncertain significance (2). Last evaluated 2026-06-25.

Conditions:
Arrhythmogenic right ventricular dysplasia 13. Also called: ARRHYTHMOGENIC RIGHT VENTRICULAR CARDIOMYOPATHY 13; Arrhythmogenic right ventricular dysplasia, familial, 13. Identifiers: MedGen C3810138, MONDO:0000908, OMIM 615616.

Allele frequency attached by ClinVar (database versions not stated): ExAC 0.00001; TOPMed 0.00002; gnomAD 0.00003 and 0.00002; gnomAD exomes below 0.00001.
gnomAD v4.1: 5 of 1,613,286 alleles (0.00031%); highest among the groups gnomAD compares: Admixed American, 0.0033%; no homozygotes.

Submissions (2):

Ambry Genetics
Classification: Uncertain significance. Last evaluated: 2026-06-25. Review status: criteria provided, single submitter. Criteria: Ambry Variant Classification Scheme 2023. Collection method: clinical testing. Allele origin: germline.
Comment: The p.K102I variant (also known as c.305A>T), located in coding exon 3 of the CTNNA3 gene, results from an A to T substitution at nucleotide position 305. The lysine at codon 102 is replaced by isoleucine, an amino acid with dissimilar properties. This amino acid position is conserved. In addition, this alteration is predicted to be tolerated by in silico analysis. Based on the available evidence, the clinical significance of this variant remains unclear.

Labcorp Genetics (formerly Invitae), Labcorp
Classification: Uncertain significance for Arrhythmogenic right ventricular dysplasia 13. Last evaluated: 2023-07-07. Review status: criteria provided, single submitter. Criteria: Invitae Variant Classification Sherloc (09022015). Collection method: clinical testing. Allele origin: germline.
Comment: This variant has not been reported in the literature in individuals affected with CTNNA3-related conditions. This variant is not present in population databases (gnomAD no frequency). This sequence change replaces lysine, which is basic and polar, with isoleucine, which is neutral and non-polar, at codon 102 of the CTNNA3 protein (p.Lys102Ile). ClinVar contains an entry for this variant (Variation ID: 841646). In summary, the available evidence is currently insufficient to determine the role of this variant in disease. Therefore, it has been classified as a Variant of Uncertain Significance. Advanced modeling of protein sequence and biophysical properties (such as structural, functional, and spatial information, amino acid conservation, physicochemical variation, residue mobility, and thermodynamic stability) performed at Invitae indicates that this missense variant is not expected to disrupt CTNNA3 protein function.

NM_013266.4(CTNNA3):c.305A>T (p.Lys102Ile)

Gene: CTNNA3 (catenin alpha 3; minus strand). Cytogenetic location: 10q21.3.
Variant type: single nucleotide variant.
Coding change: c.305A>T on transcript NM_013266.4 (MANE Select); coding-DNA position 305, A replaced by T.
Protein change: p.Lys102Ile; replaces lysine 102 with isoleucine.
Molecular consequence: missense variant.
Genome position (GRCh38, 1-based): chr10:67,539,657, T>A on the plus strand (A>T on the coding strand, the complement: CTNNA3 is on the minus strand). VCF-style: chr10-67539657-T-A. GRCh37 (hg19) VCF-style: chr10-69299415-T-A.
Other names: c.305A>T, p.Lys102Ile (NM_001127384.3); c.341A>T, p.Lys114Ile (NM_001291133.2); c.305A>T (NM_013266.2); short protein forms K102I, K114I.
Identifiers: ClinVar variation 841646 (VCV000841646.8), dbSNP rs777996573, ClinGen allele CA5520647.